The following is an entry in ClinVar:

NM_001197104.2(KMT2A):c.3247C>T (p.Arg1083Ter)

Gene: KMT2A (lysine methyltransferase 2A; plus strand). Cytogenetic location: 11q23.3.
Variant type: single nucleotide variant.
Coding change: c.3247C>T on transcript NM_001197104.2 (MANE Select); coding-DNA position 3247, C replaced by T.
Protein change: p.Arg1083Ter; replaces arginine 1083 with a stop codon.
Molecular consequence: nonsense.
Genome position (GRCh38, 1-based): chr11:118,476,895, C>T. VCF-style: chr11-118476895-C-T. GRCh37 (hg19) VCF-style: chr11-118347610-C-T.
Other names: c.3247C>T, p.Arg1083Ter (NM_005933.4); short protein forms R1083*.
Identifiers: ClinVar variation 620155 (VCV000620155.3), dbSNP rs782451966, ClinGen allele CA382823873.

ClinVar aggregate classification (germline): Pathogenic (1 of 4 stars; one submission).

Submission:

GeneDx
Classification: Pathogenic. Last evaluated: 2023-02-07. Review status: criteria provided, single submitter. Criteria: GeneDx Variant Classification Process June 2021. Collection method: clinical testing. Allele origin: germline. Affected: yes.
Comment: Nonsense variant predicted to result in protein truncation or nonsense mediated decay in a gene for which loss of function is a known mechanism of disease; Not observed at significant frequency in large population cohorts (gnomAD); This variant is associated with the following publications: (PMID: 25929198, 31168168)